The following is an entry in ClinVar:

NM_001042424.3(NSD2):c.2902C>T (p.Arg968Cys)

Gene: NSD2 (nuclear receptor binding SET domain protein 2; plus strand). Cytogenetic location: 4p16.3.
Variant type: single nucleotide variant.
Coding change: c.2902C>T on transcript NM_001042424.3 (MANE Select); coding-DNA position 2902, C replaced by T.
Protein change: p.Arg968Cys; replaces arginine 968 with cysteine.
Molecular consequence: missense variant.
Genome position (GRCh38, 1-based): chr4:1,957,953, C>T. VCF-style: chr4-1957953-C-T. GRCh37 (hg19) VCF-style: chr4-1959680-C-T.
Other names: c.2902C>T, p.Arg968Cys (NM_001440892.1, NM_001440894.1, NM_001440895.1 and 3 more transcripts); c.3001C>T, p.Arg1001Cys (NM_001440893.1); c.2701C>T, p.Arg901Cys (NM_001440896.1); c.2695C>T, p.Arg899Cys (NM_001440897.1, NM_001440898.1); c.1933C>T, p.Arg645Cys (NM_001440899.1, NM_001440900.1); short protein forms R1001C, R645C, R899C, R901C, R968C.
Identifiers: ClinVar variation 4537972 (VCV004537972.1).

ClinVar aggregate classification (germline): Likely pathogenic (1 of 4 stars; one submission).

gnomAD v4.1: 1 of 1,614,168 alleles (0.000062%); highest among the groups gnomAD compares: Non-Finnish European, 0.000085%; no homozygotes.

Submission:

GeneDx
Classification: Likely pathogenic. Last evaluated: 2025-06-09. Review status: criteria provided, single submitter. Criteria: GeneDx Variant Classification Process June 2021. Collection method: clinical testing. Allele origin: germline. Affected: yes.
Comment: Not observed at significant frequency in large population cohorts (gnomAD); In silico analysis supports that this missense variant has a deleterious effect on protein structure/function; Has not been previously published as pathogenic or benign to our knowledge